The following is an entry in ClinVar:

ClinVar aggregate classification (germline): Uncertain significance (1 of 4 stars; one submission).

Conditions:
Generalized epilepsy with febrile seizures plus, type 7 (GEFSP7). Also called: GEFS+, TYPE 7. Identifiers: Orphanet 36387, MedGen C2751778, MONDO:0013470, OMIM 613863.
Neuropathy, hereditary sensory and autonomic, type 2A (HSAN2A). Also called: ACROOSTEOLYSIS, GIACCAI TYPE; ACROOSTEOLYSIS, NEUROGENIC; HSAN IIA; MORVAN DISEASE; NEUROPATHY, CONGENITAL SENSORY; NEUROPATHY, HEREDITARY SENSORY RADICULAR, AUTOSOMAL RECESSIVE. Identifiers: Orphanet 970, MedGen C2752089, MONDO:0024309, OMIM 201300.

Submission:

Labcorp Genetics (formerly Invitae), Labcorp
Classification: Uncertain significance for Neuropathy, hereditary sensory and autonomic, type 2A; Generalized epilepsy with febrile seizures plus, type 7. Last evaluated: 2021-05-13. Review status: criteria provided, single submitter. Criteria: Invitae Variant Classification Sherloc (09022015). Collection method: clinical testing. Allele origin: germline.
Comment: This sequence change replaces aspartic acid with tyrosine at codon 1781 of the SCN9A protein (p.Asp1781Tyr). The aspartic acid residue is highly conserved and there is a large physicochemical difference between aspartic acid and tyrosine. This variant is not present in population databases (ExAC no frequency). This variant has not been reported in the literature in individuals with SCN9A-related conditions. Algorithms developed to predict the effect of missense changes on protein structure and function are either unavailable or do not agree on the potential impact of this missense change (SIFT: "Deleterious"; PolyPhen-2: "Probably Damaging"; Align-GVGD: "Class C15"). In summary, the available evidence is currently insufficient to determine the role of this variant in disease. Therefore, it has been classified as a Variant of Uncertain Significance.

NM_001365536.1(SCN9A):c.5374G>T (p.Asp1792Tyr)

Genes: SCN9A (sodium voltage-gated channel alpha subunit 9; minus strand), SCN1A-AS1 (SCN1A and SCN9A antisense RNA 1; plus strand). Cytogenetic location: 2q24.3.
Variant type: single nucleotide variant.
Coding change: c.5374G>T on transcript NM_001365536.1 (MANE Select); coding-DNA position 5374, G replaced by T.
Protein change: p.Asp1792Tyr; replaces aspartic acid 1792 with tyrosine.
Molecular consequence: missense variant.
Genome position (GRCh38, 1-based): chr2:166,199,265, C>A on the plus strand (G>T on the coding strand, the complement: SCN9A is on the minus strand). VCF-style: chr2-166199265-C-A. GRCh37 (hg19) VCF-style: chr2-167055775-C-A.
Other names: c.5341G>T, p.Asp1781Tyr (NM_002977.4); short protein forms D1781Y, D1792Y.
Identifiers: ClinVar variation 1490899 (VCV001490899.8), dbSNP rs762462693, ClinGen allele CA349053194.